The following is an entry in ClinVar:

NM_015909.4(NBAS):c.2896T>G (p.Leu966Val)

Gene: NBAS (NBAS subunit of NRZ tethering complex; minus strand). Cytogenetic location: 2p24.3.
Variant type: single nucleotide variant.
Coding change: c.2896T>G on transcript NM_015909.4 (MANE Select); coding-DNA position 2896, T replaced by G.
Protein change: p.Leu966Val; replaces leucine 966 with valine.
Molecular consequence: missense variant. On other transcripts: non-coding transcript variant (1).
Genome position (GRCh38, 1-based): chr2:15,415,587, A>C on the plus strand (T>G on the coding strand, the complement: NBAS is on the minus strand). VCF-style: chr2-15415587-A-C. GRCh37 (hg19) VCF-style: chr2-15555711-A-C.
Other names: short protein forms L966V.
Identifiers: ClinVar variation 2134684 (VCV002134684.4), dbSNP rs2529001158, ClinGen allele CA345885548.

ClinVar aggregate classification (germline): Uncertain significance (1 of 4 stars; one submission).

Submission:

Labcorp Genetics (formerly Invitae), Labcorp
Classification: Uncertain significance. Last evaluated: 2024-02-23. Review status: criteria provided, single submitter. Criteria: Invitae Variant Classification Sherloc (09022015). Collection method: clinical testing. Allele origin: germline.
Comment: This sequence change replaces leucine, which is neutral and non-polar, with valine, which is neutral and non-polar, at codon 966 of the NBAS protein (p.Leu966Val). This variant is not present in population databases (gnomAD no frequency). This variant has not been reported in the literature in individuals affected with NBAS-related conditions. ClinVar contains an entry for this variant (Variation ID: 2134684). Advanced modeling of protein sequence and biophysical properties (such as structural, functional, and spatial information, amino acid conservation, physicochemical variation, residue mobility, and thermodynamic stability) performed at Invitae indicates that this missense variant is not expected to disrupt NBAS protein function with a negative predictive value of 80%. In summary, the available evidence is currently insufficient to determine the role of this variant in disease. Therefore, it has been classified as a Variant of Uncertain Significance.